The following is an entry in ClinVar:

XM_011524597.2:c.98dup

Gene: TANC2 (tetratricopeptide repeat, ankyrin repeat and coiled-coil containing 2; plus strand).
Variant type: Duplication.
Other names: c.98dup (XM_011524597.2).
Identifiers: ClinVar variation 4850718 (VCV004850718.1).

ClinVar aggregate classification (germline): Likely pathogenic (1 of 4 stars; one submission).

Conditions:
Intellectual developmental disorder with autistic features and language delay, with or without seizures. Identifiers: MedGen C5394447, MONDO:0030051, OMIM 618906.

Submission:

Variantyx, Inc.
Classification: Likely pathogenic for Intellectual developmental disorder with autistic features and language delay, with or without seizures. Last evaluated: 2025-05-14. Review status: criteria provided, single submitter. Criteria: Variantyx Assertion Criteria 2022. Collection method: clinical testing. Allele origin: germline. Inheritance: Autosomal dominant inheritance. Affected: yes.
Comment: This is a frameshift variant in the TANC2 gene (OMIM: 615047). Pathogenic variants in this gene have been associated with autosomal dominant intellectual developmental disorder with autistic features and language delay, with or without seizures. This variant introduces a premature termination codon in exon 3 out of 26 and is expected to result in loss of function, which is a known disease mechanism for TANC2 in this disorder (PMID: 31616000) (PVS1). This variant is absent from control populations (PM2), and it has not been previously reported in individuals with TANC2-related disorders in the databases available for review. Based on the current evidence, this variant is classified as likely pathogenic for autosomal dominant intellectual developmental disorder with autistic features and language delay, with or without seizures.

Literature cited by the submitters: PubMed 31616000.